The following is an entry in ClinVar:

NM_001170629.2(CHD8):c.5563C>T (p.Arg1855Cys)

Gene: CHD8 (chromodomain helicase DNA binding protein 8; minus strand). Cytogenetic location: 14q11.2.
Variant type: single nucleotide variant.
Coding change: c.5563C>T on transcript NM_001170629.2 (MANE Select); coding-DNA position 5563, C replaced by T.
Protein change: p.Arg1855Cys; replaces arginine 1855 with cysteine.
Molecular consequence: missense variant.
Genome position (GRCh38, 1-based): chr14:21,394,313, G>A on the plus strand (C>T on the coding strand, the complement: CHD8 is on the minus strand). VCF-style: chr14-21394313-G-A. GRCh37 (hg19) VCF-style: chr14-21862472-G-A.
Other names: c.4726C>T, p.Arg1576Cys (NM_020920.4); short protein forms R1576C, R1855C.
Identifiers: ClinVar variation 1990307 (VCV001990307.4), dbSNP rs746319856, ClinGen allele CA7090933.
Genomic context (GRCh38, chr14:21,394,313, plus strand): 5'-CACCCACTCTGCAATCTTGCTTACCATCTCCAGCTGCTGGGGGAAGGCGGCATACTTGGC[G>A]GCACATGGCCACAAAGCCATGGAAGTACTTGGTAAGGCTTTCATCTGTCTTTTTGTCTAG-3'
Protein context (NP_001164100.1, residues 1845-1865): KYFHGFVAMC[Arg1855Cys]QVCRLPPAAG

ClinVar aggregate classification (germline): Uncertain significance (1 of 4 stars; one submission).

Allele frequency attached by ClinVar (database versions not stated): gnomAD 0.00001; gnomAD exomes 0.00001; ExAC 0.00003.
gnomAD v4.1: 9 of 1,613,820 alleles (0.00056%); highest among the groups gnomAD compares: South Asian, 0.0055%; no homozygotes.

Submission:

Labcorp Genetics (formerly Invitae), Labcorp
Classification: Uncertain significance. Last evaluated: 2023-08-10. Review status: criteria provided, single submitter. Criteria: Invitae Variant Classification Sherloc (09022015). Collection method: clinical testing. Allele origin: germline.
Comment: This sequence change replaces arginine, which is basic and polar, with cysteine, which is neutral and slightly polar, at codon 1855 of the CHD8 protein (p.Arg1855Cys). This variant is present in population databases (rs746319856, gnomAD 0.01%). This variant has not been reported in the literature in individuals affected with CHD8-related conditions. ClinVar contains an entry for this variant (Variation ID: 1990307). Advanced modeling of protein sequence and biophysical properties (such as structural, functional, and spatial information, amino acid conservation, physicochemical variation, residue mobility, and thermodynamic stability) performed at Invitae indicates that this missense variant is expected to disrupt CHD8 protein function. In summary, the available evidence is currently insufficient to determine the role of this variant in disease. Therefore, it has been classified as a Variant of Uncertain Significance.